The following is an entry in ClinVar:

NM_001845.6(COL4A1):c.233A>C (p.Lys78Thr)

Gene: COL4A1 (collagen type IV alpha 1 chain; minus strand). Cytogenetic location: 13q34.
Variant type: single nucleotide variant.
Coding change: c.233A>C on transcript NM_001845.6 (MANE Select); coding-DNA position 233, A replaced by C.
Protein change: p.Lys78Thr; replaces lysine 78 with threonine.
Molecular consequence: missense variant.
Genome position (GRCh38, 1-based): chr13:110,213,927, T>G on the plus strand (A>C on the coding strand, the complement: COL4A1 is on the minus strand). VCF-style: chr13-110213927-T-G. GRCh37 (hg19) VCF-style: chr13-110866274-T-G.
Other names: c.233A>C, p.Lys78Thr (NM_001303110.2); short protein forms K78T.
Identifiers: ClinVar variation 2012609 (VCV002012609.4), dbSNP rs2501607721, ClinGen allele CA388727013.

ClinVar aggregate classification (germline): Uncertain significance (1 of 4 stars; one submission).

Submission:

Labcorp Genetics (formerly Invitae), Labcorp
Classification: Uncertain significance. Last evaluated: 2022-07-01. Review status: criteria provided, single submitter. Criteria: Invitae Variant Classification Sherloc (09022015). Collection method: clinical testing. Allele origin: germline.
Comment: In summary, the available evidence is currently insufficient to determine the role of this variant in disease. Therefore, it has been classified as a Variant of Uncertain Significance. Algorithms developed to predict the effect of missense changes on protein structure and function are either unavailable or do not agree on the potential impact of this missense change (SIFT: "Deleterious"; PolyPhen-2: "Not Available"; Align-GVGD: "Class C65"). This variant has not been reported in the literature in individuals affected with COL4A1-related conditions. This variant is not present in population databases (gnomAD no frequency). This sequence change replaces lysine, which is basic and polar, with threonine, which is neutral and polar, at codon 78 of the COL4A1 protein (p.Lys78Thr).